The following is an entry in ClinVar:

ClinVar aggregate classification (germline): Benign/Likely benign. Review status: criteria provided, multiple submitters, no conflicts (2 of 4 stars). 4 submissions from 4 submitters: Benign (1); Likely benign (3). Last evaluated 2025-12-11.

Conditions:
RP1-related disorder. Also called: RP1-related condition.
Retinitis pigmentosa (RP). Identifiers: Orphanet 791, MedGen C0035334, MeSH D012174, MONDO:0019200, OMIM 268000. Inheritance: Autosomal dominant, autosomal recessive and X linked inheritance.

Allele frequency attached by ClinVar (database versions not stated): gnomAD 0.00014 and 0.00015; TOPMed 0.00032; ExAC 0.00034; gnomAD exomes 0.00048.
gnomAD v4.1: 216 of 1,613,620 alleles (0.013%); highest among the groups gnomAD compares: Admixed American, 0.22%; no homozygotes.

Submissions (4):

Labcorp Genetics (formerly Invitae), Labcorp
Classification: Benign. Last evaluated: 2025-12-11. Review status: criteria provided, single submitter. Criteria: Invitae Variant Classification Sherloc (09022015). Collection method: clinical testing. Allele origin: germline.

Blueprint Genetics
Classification: Likely benign. Last evaluated: 2024-10-21. Review status: criteria provided, single submitter. Criteria: ACMG Guidelines, 2015. Collection method: clinical testing. Allele origin: germline.

PreventionGenetics, part of Exact Sciences
Classification: Likely benign for RP1-related condition. Last evaluated: 2024-10-04. Review status: criteria provided, single submitter. Criteria: ACMG Guidelines, 2015. Collection method: clinical testing. Allele origin: germline.
Comment: This variant is classified as likely benign based on ACMG/AMP sequence variant interpretation guidelines (Richards et al. 2015 PMID: 25741868, with internal and published modifications).

Illumina Laboratory Services, Illumina
Classification: Likely benign for Retinitis pigmentosa. Last evaluated: 2018-01-13. Review status: criteria provided, single submitter. Criteria: ICSL Variant Classification Criteria 13 December 2019. Collection method: clinical testing. Allele origin: germline.
Comment: This variant was observed in the ICSL laboratory as part of a predisposition screen in an ostensibly healthy population. It had not been previously curated by ICSL or reported in the Human Gene Mutation Database (HGMD: prior to June 1st, 2018), and was therefore a candidate for classification through an automated scoring system. Utilizing variant allele frequency, disease prevalence and penetrance estimates, and inheritance mode, an automated score was calculated to assess if this variant is too frequent to cause the disease. Based on the score and internal cut-off values, a variant classified as likely benign is not then subjected to further curation. The score for this variant resulted in a classification of likely benign for this disease.

NM_006269.2(RP1):c.2938G>A (p.Gly980Ser)

Gene: RP1 (RP1 axonemal microtubule associated; plus strand). Cytogenetic location: 8q12.1.
Variant type: single nucleotide variant.
Coding change: c.2938G>A on transcript NM_006269.2 (MANE Select); coding-DNA position 2938, G replaced by A.
Protein change: p.Gly980Ser; replaces glycine 980 with serine.
Molecular consequence: missense variant.
Genome position (GRCh38, 1-based): chr8:54,626,820, G>A. VCF-style: chr8-54626820-G-A. GRCh37 (hg19) VCF-style: chr8-55539380-G-A.
Other names: short protein forms G980S.
Identifiers: ClinVar variation 363287 (VCV000363287.15), dbSNP rs202226256, ClinGen allele CA4751613.
Genomic context (GRCh38, chr8:54,626,820, plus strand): 5'-AATTCTGGAAAAATAAGTAATTTTGTTATGGAAAGTAATAAGCACATAACTAAAATTGCC[G>A]GTTTGACAGGAGATAATCTATGTAAAGAGGGAGATAAGTCTTTTATTGCCAATGACACTG-3'
Protein context (NP_006260.1, residues 970-990): ESNKHITKIA[Gly980Ser]LTGDNLCKEG